The following is an entry in ClinVar:

NM_015466.4(PTPN23):c.3994C>T (p.Arg1332Cys)

Gene: PTPN23 (protein tyrosine phosphatase non-receptor type 23; plus strand). Cytogenetic location: 3p21.31.
Variant type: single nucleotide variant.
Coding change: c.3994C>T on transcript NM_015466.4 (MANE Select); coding-DNA position 3994, C replaced by T.
Protein change: p.Arg1332Cys; replaces arginine 1332 with cysteine.
Molecular consequence: missense variant.
Genome position (GRCh38, 1-based): chr3:47,411,888, C>T. VCF-style: chr3-47411888-C-T. GRCh37 (hg19) VCF-style: chr3-47453378-C-T.
Other names: c.3616C>T, p.Arg1206Cys (NM_001304482.2); short protein forms R1206C, R1332C.
Identifiers: ClinVar variation 1912619 (VCV001912619.2), dbSNP rs137859597, ClinGen allele CA2366420.

ClinVar aggregate classification (germline): Uncertain significance (1 of 4 stars; one submission).

Allele frequency attached by ClinVar (database versions not stated): TOPMed below 0.00001; gnomAD exomes 0.00001; ExAC 0.00002; ESP Exome Variant Server 0.00008.

Submission:

Labcorp Genetics (formerly Invitae), Labcorp
Classification: Uncertain significance. Last evaluated: 2022-02-26. Review status: criteria provided, single submitter. Criteria: Invitae Variant Classification Sherloc (09022015). Collection method: clinical testing. Allele origin: germline.
Comment: This sequence change replaces arginine, which is basic and polar, with cysteine, which is neutral and slightly polar, at codon 1332 of the PTPN23 protein (p.Arg1332Cys). This variant is present in population databases (rs137859597, gnomAD 0.007%). This variant has not been reported in the literature in individuals affected with PTPN23-related conditions. Algorithms developed to predict the effect of missense changes on protein structure and function are either unavailable or do not agree on the potential impact of this missense change (SIFT: "Deleterious"; PolyPhen-2: "Probably Damaging"; Align-GVGD: "Class C0"). In summary, the available evidence is currently insufficient to determine the role of this variant in disease. Therefore, it has been classified as a Variant of Uncertain Significance.